The following is an entry in ClinVar:

NM_019892.6(INPP5E):c.377A>G (p.His126Arg)

Gene: INPP5E (inositol polyphosphate-5-phosphatase E; minus strand). Cytogenetic location: 9q34.3.
Variant type: single nucleotide variant.
Coding change: c.377A>G on transcript NM_019892.6 (MANE Select); coding-DNA position 377, A replaced by G.
Protein change: p.His126Arg; replaces histidine 126 with arginine.
Molecular consequence: missense variant.
Genome position (GRCh38, 1-based): chr9:136,439,043, T>C on the plus strand (A>G on the coding strand, the complement: INPP5E is on the minus strand). VCF-style: chr9-136439043-T-C. GRCh37 (hg19) VCF-style: chr9-139333495-T-C.
Other names: c.377A>G, p.His126Arg (NM_001318502.2); c.377A>G (NM_019892.4); short protein forms H126R.
Identifiers: ClinVar variation 2201781 (VCV002201781.5), dbSNP rs779663196, ClinGen allele CA5337166.

ClinVar aggregate classification (germline): Uncertain significance. Review status: criteria provided, multiple submitters, no conflicts (2 of 4 stars). 2 submissions from 2 submitters: Uncertain significance (2). Last evaluated 2025-12-11.

Conditions:
Inborn genetic diseases. Identifiers: MedGen C0950123, MeSH D030342.
Joubert syndrome. Also called: CEREBELLOPARENCHYMAL DISORDER IV; JOUBERT-BOLTSHAUSER SYNDROME; Familial aplasia of the vermis. Identifiers: Orphanet 475, MedGen C5979921, MONDO:0018772.

Allele frequency attached by ClinVar (database versions not stated): ExAC 0.00004.

Submissions (2):

Ambry Genetics
Classification: Uncertain significance for Inborn genetic diseases. Last evaluated: 2025-12-11. Review status: criteria provided, single submitter. Criteria: Ambry Variant Classification Scheme 2023. Collection method: clinical testing. Allele origin: germline.

Labcorp Genetics (formerly Invitae), Labcorp
Classification: Uncertain significance for Joubert syndrome. Last evaluated: 2022-07-25. Review status: criteria provided, single submitter. Criteria: Invitae Variant Classification Sherloc (09022015). Collection method: clinical testing. Allele origin: germline.
Comment: In summary, the available evidence is currently insufficient to determine the role of this variant in disease. Therefore, it has been classified as a Variant of Uncertain Significance. Advanced modeling of protein sequence and biophysical properties (such as structural, functional, and spatial information, amino acid conservation, physicochemical variation, residue mobility, and thermodynamic stability) performed at Invitae indicates that this missense variant is not expected to disrupt INPP5E protein function. This variant has not been reported in the literature in individuals affected with INPP5E-related conditions. The frequency data for this variant in the population databases is considered unreliable, as metrics indicate poor data quality at this position in the gnomAD database. This sequence change replaces histidine, which is basic and polar, with arginine, which is basic and polar, at codon 126 of the INPP5E protein (p.His126Arg).